The following is an entry in ClinVar:

NM_001042492.3(NF1):c.5076T>G (p.Tyr1692Ter)

Gene: NF1 (neurofibromin 1; plus strand). Cytogenetic location: 17q11.2.
Variant type: single nucleotide variant.
Coding change: c.5076T>G on transcript NM_001042492.3 (MANE Select); coding-DNA position 5076, T replaced by G.
Protein change: p.Tyr1692Ter; replaces tyrosine 1692 with a stop codon.
Molecular consequence: nonsense.
Genome position (GRCh38, 1-based): chr17:31,326,060, T>G. VCF-style: chr17-31326060-T-G. GRCh37 (hg19) VCF-style: chr17-29653078-T-G.
Other names: c.5013T>G, p.Tyr1671Ter (NM_000267.4); short protein forms Y1671*, Y1692*.
Identifiers: ClinVar variation 3248547 (VCV003248547.3), dbSNP rs1597829961.

ClinVar aggregate classification (germline): Pathogenic. Review status: criteria provided, multiple submitters, no conflicts (2 of 4 stars). 2 submissions from 2 submitters: Pathogenic (2). Last evaluated 2024-09-25.

Conditions:
Neurofibromatosis, type 1 (NF1). Also called: VON RECKLINGHAUSEN DISEASE; Neurofibromatosis, type I; Peripheral type neurofibromatosis; NEUROFIBROMATOSIS, TYPE I, SOMATIC. Identifiers: Orphanet 636, MedGen C0027831, MONDO:0018975, OMIM 162200. Disease mechanism: loss of function.

Submissions (2):

Labcorp Genetics (formerly Invitae), Labcorp
Classification: Pathogenic for Neurofibromatosis, type 1. Last evaluated: 2024-09-25. Review status: criteria provided, single submitter. Criteria: Invitae Variant Classification Sherloc (09022015). Collection method: clinical testing. Allele origin: germline.
Comment: This sequence change creates a premature translational stop signal (p.Tyr1671*) in the NF1 gene. It is expected to result in an absent or disrupted protein product. Loss-of-function variants in NF1 are known to be pathogenic (PMID: 10712197, 23913538). This variant is not present in population databases (gnomAD no frequency). This variant has not been reported in the literature in individuals affected with NF1-related conditions. Algorithms developed to predict the effect of sequence changes on RNA splicing suggest that this variant may create or strengthen a splice site. For these reasons, this variant has been classified as Pathogenic.

NHS Central & South Genomic Laboratory Hub
Classification: Pathogenic for Neurofibromatosis type 1. Last evaluated: 2024-07-01. Review status: criteria provided, single submitter. Criteria: ACMG Guidelines, 2015. Collection method: clinical testing. Allele origin: germline. Affected: yes.

Literature cited by the submitters: PubMed 10712197 (cited by Labcorp Genetics (formerly Invitae), Labcorp); PubMed 23913538 (cited by Labcorp Genetics (formerly Invitae), Labcorp).